The following is an entry in ClinVar:

NM_000528.4(MAN2B1):c.2571dup (p.Leu858fs)

Gene: MAN2B1 (mannosidase alpha class 2B member 1; minus strand). Cytogenetic location: 19p13.13.
Variant type: Duplication.
Coding change: c.2571dup on transcript NM_000528.4 (MANE Select); coding-DNA position 2571, one base duplicated (G; older notation c.2571dupG).
Protein change: p.Leu858fs; shifts the reading frame from leucine 858.
Molecular consequence: frameshift variant.
Genome position (GRCh38, 1-based): chr19:12,648,268, C duplicated on the plus strand (G on the coding strand, the reverse complement: MAN2B1 is on the minus strand); the first of 2 consecutive C bases (chr19:12,648,268-12,648,269); duplicating either gives the same sequence. VCF-style (leftmost placement, unchanged base first): chr19-12648267-G-GC. GRCh37 (hg19) VCF-style: chr19-12759081-G-GC.
Other names: c.2568dup, p.Leu857fs (NM_001173498.2); c.2574dup, p.Leu859fs (NM_001440570.1); short protein forms L857fs, L858fs, L859fs.
Identifiers: ClinVar variation 5012194 (VCV005012194.1).

ClinVar aggregate classification (germline): Pathogenic (1 of 4 stars; one submission).

Conditions:
Deficiency of alpha-mannosidase (MANSA). Also called: LYSOSOMAL ALPHA-D-MANNOSIDASE DEFICIENCY; Alpha-Mannosidosis; Mannosidosis, alpha-, types I and II. Identifiers: Orphanet 61, MedGen C0024748, MONDO:0009561, OMIM 248500.

Submission:

Myriad Genetics, Inc.
Classification: Pathogenic for Deficiency of alpha-mannosidase. Last evaluated: 2023-09-27. Review status: criteria provided, single submitter. Criteria: Myriad Autosomal Dominant, Autosomal Recessive and X-Linked Classification Criteria (2023). Collection method: clinical testing. Allele origin: unknown.
Comment: NM_000528.3(MAN2B1):c.2571dupG(L858Afs*73) is expected to be pathogenic in the context of alpha-mannosidosis. This variant is predicted to lead to an abnormal or absent protein product due to the creation of a premature termination codon in MAN2B1, a gene where loss-of-function variants are known to be pathogenic. Please note: this variant was assessed in the context of healthy population screening.